The following is an entry in ClinVar:

ClinVar aggregate classification (germline): Uncertain significance. Review status: criteria provided, multiple submitters, no conflicts (2 of 4 stars). 2 submissions from 2 submitters: Uncertain significance (2). Last evaluated 2022-06-05.

Conditions:
Inborn genetic diseases. Identifiers: MedGen C0950123, MeSH D030342.
Giant axonal neuropathy 1 (GAN1). Also called: GAN-Related Neurodegeneration; GIANT AXONAL NEUROPATHY 1, AUTOSOMAL RECESSIVE. Identifiers: Orphanet 643, MedGen C1850386, MONDO:0009749, OMIM 256850.

Allele frequency attached by ClinVar (database versions not stated): gnomAD exomes 0.00001; ExAC 0.00002; gnomAD 0.00003; TOPMed 0.00003.
gnomAD v4.1: 22 of 1,613,994 alleles (0.0014%); highest among the groups gnomAD compares: African/African-American, 0.0027%; no homozygotes.

Submissions (2):

Labcorp Genetics (formerly Invitae), Labcorp
Classification: Uncertain significance for Giant axonal neuropathy 1. Last evaluated: 2022-06-05. Review status: criteria provided, single submitter. Criteria: Invitae Variant Classification Sherloc (09022015). Collection method: clinical testing. Allele origin: germline.
Comment: This sequence change replaces arginine, which is basic and polar, with histidine, which is basic and polar, at codon 593 of the GAN protein (p.Arg593His). This variant is present in population databases (rs751430474, gnomAD 0.007%). This variant has not been reported in the literature in individuals affected with GAN-related conditions. ClinVar contains an entry for this variant (Variation ID: 950438). Algorithms developed to predict the effect of missense changes on protein structure and function are either unavailable or do not agree on the potential impact of this missense change (SIFT: "Deleterious"; PolyPhen-2: "Probably Damaging"; Align-GVGD: "Class C0"). In summary, the available evidence is currently insufficient to determine the role of this variant in disease. Therefore, it has been classified as a Variant of Uncertain Significance.

Ambry Genetics
Classification: Uncertain significance for Inborn genetic diseases. Last evaluated: 2021-07-14. Review status: criteria provided, single submitter. Criteria: Ambry Variant Classification Scheme 2023. Collection method: clinical testing. Allele origin: germline.

NM_022041.4(GAN):c.1778G>A (p.Arg593His)

Gene: GAN (gigaxonin; plus strand). Cytogenetic location: 16q23.2.
Variant type: single nucleotide variant.
Coding change: c.1778G>A on transcript NM_022041.4 (MANE Select); coding-DNA position 1778, G replaced by A.
Protein change: p.Arg593His; replaces arginine 593 with histidine.
Molecular consequence: missense variant.
Genome position (GRCh38, 1-based): chr16:81,377,580, G>A. VCF-style: chr16-81377580-G-A. GRCh37 (hg19) VCF-style: chr16-81411185-G-A.
Other names: c.1139G>A, p.Arg380His (NM_001377486.1); short protein forms R380H, R593H.
Identifiers: ClinVar variation 950438 (VCV000950438.5), dbSNP rs751430474, ClinGen allele CA8191884.